The following is an entry in ClinVar:

ClinVar aggregate classification (germline): Uncertain significance (1 of 4 stars; one submission).

Conditions:
Early-infantile DEE. Also called: Ohtahara syndrome; Early infantile epileptic encephalopathy; Early infantile epileptic encephalopathy with suppression bursts. Identifiers: Orphanet 1934, MedGen C0393706, MONDO:0800491.

Submission:

Labcorp Genetics (formerly Invitae), Labcorp
Classification: Uncertain significance for Early-infantile DEE. Last evaluated: 2023-09-05. Review status: criteria provided, single submitter. Criteria: Invitae Variant Classification Sherloc (09022015). Collection method: clinical testing. Allele origin: germline.
Comment: This variant is not present in population databases (gnomAD no frequency). This sequence change replaces asparagine, which is neutral and polar, with serine, which is neutral and polar, at codon 2186 of the SPTAN1 protein (p.Asn2186Ser). This variant has not been reported in the literature in individuals affected with SPTAN1-related conditions. In summary, the available evidence is currently insufficient to determine the role of this variant in disease. Therefore, it has been classified as a Variant of Uncertain Significance. Advanced modeling of protein sequence and biophysical properties (such as structural, functional, and spatial information, amino acid conservation, physicochemical variation, residue mobility, and thermodynamic stability) has been performed at Invitae for this missense variant, however the output from this modeling did not meet the statistical confidence thresholds required to predict the impact of this variant on SPTAN1 protein function.

NM_001130438.3(SPTAN1):c.6557A>G (p.Asn2186Ser)

Gene: SPTAN1 (spectrin alpha, non-erythrocytic 1; plus strand). Cytogenetic location: 9q34.11.
Variant type: single nucleotide variant.
Coding change: c.6557A>G on transcript NM_001130438.3 (MANE Select); coding-DNA position 6557, A replaced by G.
Protein change: p.Asn2186Ser; replaces asparagine 2186 with serine.
Molecular consequence: missense variant.
Genome position (GRCh38, 1-based): chr9:128,626,668, A>G. VCF-style: chr9-128626668-A-G. GRCh37 (hg19) VCF-style: chr9-131388947-A-G.
Other names: c.6482A>G, p.Asn2161Ser (NM_001195532.2); c.6557A>G, p.Asn2186Ser (NM_001363759.2, NM_001375310.1, NM_001375311.2 and 1 more transcripts); c.6497A>G, p.Asn2166Ser (NM_001363765.2, NM_001375314.2); c.6593A>G, p.Asn2198Ser (NM_001375312.2, NM_001375318.1); c.6542A>G, p.Asn2181Ser (NM_003127.4); short protein forms N2161S, N2186S, N2181S, N2166S, N2198S.
Identifiers: ClinVar variation 2758124 (VCV002758124.3), dbSNP rs2542212144, ClinGen allele CA375089850.